The following is an entry in ClinVar:

NM_024665.7(TBL1XR1):c.388A>G (p.Thr130Ala)

Gene: TBL1XR1 (TBL1X/Y related 1; minus strand). Cytogenetic location: 3q26.32.
Variant type: single nucleotide variant.
Coding change: c.388A>G on transcript NM_024665.7 (MANE Select); coding-DNA position 388, A replaced by G.
Protein change: p.Thr130Ala; replaces threonine 130 with alanine.
Molecular consequence: missense variant.
Genome position (GRCh38, 1-based): chr3:177,051,543, T>C on the plus strand (A>G on the coding strand, the complement: TBL1XR1 is on the minus strand). VCF-style: chr3-177051543-T-C. GRCh37 (hg19) VCF-style: chr3-176769331-T-C.
Other names: c.388A>G, p.Thr130Ala (NM_001321193.3, NM_001321194.3, NM_001374327.1 and 2 more transcripts); c.127A>G, p.Thr43Ala (NM_001321195.3, NM_001374330.1); short protein forms T130A, T43A.
Identifiers: ClinVar variation 3367786 (VCV003367786.2).

ClinVar aggregate classification (germline): Uncertain significance (1 of 4 stars; one submission).

Submission:

GeneDx
Classification: Uncertain significance. Last evaluated: 2025-09-16. Review status: criteria provided, single submitter. Criteria: GeneDx Variant Classification Process June 2021. Collection method: clinical testing. Allele origin: germline.
Comment: Not observed at significant frequency in large population cohorts (gnomAD); In silico analysis supports that this missense variant has a deleterious effect on protein structure/function; Has not been previously published as pathogenic or benign to our knowledge